The following is an entry in ClinVar:

NM_001009944.3(PKD1):c.4082T>C (p.Leu1361Pro)

Gene: PKD1 (polycystin 1, transient receptor potential channel interacting; minus strand). Cytogenetic location: 16p13.3.
Variant type: single nucleotide variant.
Coding change: c.4082T>C on transcript NM_001009944.3 (MANE Select); coding-DNA position 4082, T replaced by C.
Protein change: p.Leu1361Pro; replaces leucine 1361 with proline.
Molecular consequence: missense variant.
Genome position (GRCh38, 1-based): chr16:2,111,085, A>G on the plus strand (T>C on the coding strand, the complement: PKD1 is on the minus strand). VCF-style: chr16-2111085-A-G. GRCh37 (hg19) VCF-style: chr16-2161086-A-G.
Other names: c.4082T>C, p.Leu1361Pro (NM_000296.4); c.4082T>C (NM_001009944.2); short protein forms L1361P.
Identifiers: ClinVar variation 873373 (VCV000873373.7), dbSNP rs2092490160, ClinGen allele CA394381644.

ClinVar aggregate classification (germline): Conflicting classifications of pathogenicity. Review status: criteria provided, conflicting classifications (1 of 4 stars). 6 submissions from 6 submitters: Likely pathogenic (1); Uncertain significance (4). 1 of the submissions does not count toward it. Last evaluated 2025-12-17.

Conditions:
Polycystic kidney disease, adult type (PKD1). Also called: POLYCYSTIC KIDNEY DISEASE 1 WITH OR WITHOUT POLYCYSTIC LIVER DISEASE; Polycystic Kidney Disease 1, Autosomal Dominant; Polycystic kidney disease 1; Polycystic kidney disease 1, severe; POLYCYSTIC KIDNEY DISEASE, ADULT, TYPE I; Polycystic Kidney, Autosomal Dominant. Identifiers: MedGen C3149841, MONDO:0008263, OMIM 173900.
PKD1-related disorder. Also called: PKD1-related condition.
Polycystic kidney disease. Also called: Kidney, Polycystic; Polycystic kidney dysplasia. Identifiers: MedGen C0022680, MeSH D007690, MONDO:0020642, HP:0000113.

Submissions (6):

Genetic Services Laboratory, University of Chicago
Classification: Uncertain significance. Last evaluated: 2025-12-17. Review status: criteria provided, single submitter. Criteria: ACMG Guidelines, 2015. Collection method: clinical testing. Allele origin: germline.
Comment: The c.4082T>C variant: Results in an amino acid change, p.Leu1361Pro. Has been previously described in at least two unrelated individuals with PKD1-related disorder. Has not been described in population databases such as gnomAD v4. Affects a moderately conserved amino acid residue located in a domain of the PKD1 protein that is not known to be functional. Appears to be deleterious using several in-silico pathogenicity prediction tools. ClinVar contains an entry for this variant (Variation ID: 873373) Due to insufficient evidence and the lack of functional studies, the clinical significance of the p.Leu1361Pro variant remains unknown at this time.

GeneDx
Classification: Uncertain significance. Last evaluated: 2023-09-13. Review status: criteria provided, single submitter. Criteria: GeneDx Variant Classification Process June 2021. Collection method: clinical testing. Allele origin: germline. Affected: yes.
Comment: Not observed at significant frequency in large population cohorts (gnomAD); In silico analysis supports that this missense variant has a deleterious effect on protein structure/function; This variant is associated with the following publications: (PMID: 33454723)

Blueprint Genetics
Classification: Likely pathogenic for PKD1-related disorders. Last evaluated: 2023-01-19. Review status: criteria provided, single submitter. Criteria: ACMG Guidelines, 2015. Collection method: clinical testing. Allele origin: germline. Affected: yes. Observed: 2 variant alleles.

Cavalleri Lab, Royal College of Surgeons in Ireland
Classification: Uncertain significance for Polycystic kidney disease, adult type. Last evaluated: 2020-02-05. Review status: criteria provided, single submitter. Criteria: ACMG Guidelines, 2015. Collection method: research. Allele origin: unknown. Inheritance: Autosomal dominant inheritance. Affected: yes.
Comment: PM2, PP4, PP5

Juno Genomics, Hangzhou Juno Genomics, Inc
Classification: Uncertain significance for Polycystic kidney disease, adult type. Review status: criteria provided, single submitter. Criteria: ACMG Guidelines, 2015. Collection method: clinical testing. Allele origin: germline. Affected: yes.
Comment: Absent from controls (or at extremely low frequency if recessive) in Genome Aggregation Database, Exome Sequencing Project, 1000 Genomes Project, or Exome Aggregation Consortium.;The prevalence of the variant in affected individuals is significantly increased compared to the prevalence in controls.;Patient's phenotype or family history is highly specific for a disease with a single genetic etiology.

Department of Pathology and Laboratory Medicine, Sinai Health System
Classification: Uncertain significance for Polycystic Kidney disease. Review status: no assertion criteria provided. Collection method: clinical testing. Allele origin: unknown. Affected: yes. Study: The Canadian Open Genetics Repository (COGR). Not counted in ClinVar's aggregate classification.
Comment: The PKD1 p.Leu1361Pro variant was not identified in the literature nor was it identified in the following databases: dbSNP, ClinVar, COGR, LOVD 3.0, ADPKD Mutation Database, PKD1-LOVD, the 1000 Genomes Project, the NHLBI GO Exome Sequencing Project, the Exome Aggregation Consortium (August 8th 2016), or the Genome Aggregation Database (Feb 27, 2017). The p.Leu1361 residue is conserved in mammals but not in more distantly related organisms, and four out of five computational analyses (PolyPhen-2, SIFT, AlignGVGD, BLOSUM, MutationTaster) suggest that the Pro variant may impact the protein; however, this information is not predictive enough to assume pathogenicity. The variant occurs outside of the splicing consensus sequence and in silico or computational prediction software programs (SpliceSiteFinder, MaxEntScan, NNSPLICE, GeneSplicer, HumanSpliceFinder) do not predict a difference in splicing. In summary, based on the above information the clinical significance of this variant cannot be determined with certainty at this time. This variant is classified as a variant of uncertain significance.